The following is an entry in ClinVar:

ClinVar aggregate classification (germline): Likely benign. Review status: criteria provided, multiple submitters, no conflicts (2 of 4 stars). 2 submissions from 2 submitters: Likely benign (2). Last evaluated 2024-07-29.

Allele frequency attached by ClinVar (database versions not stated): gnomAD exomes below 0.00001.
gnomAD v4.1: 5 of 1,613,880 alleles (0.00031%); highest among the groups gnomAD compares: Middle Eastern, 0.017%; no homozygotes.

Submissions (2):

Blueprint Genetics
Classification: Likely benign. Last evaluated: 2024-07-29. Review status: criteria provided, single submitter. Criteria: ACMG Guidelines, 2015. Collection method: clinical testing. Allele origin: germline.

CeGaT Center for Human Genetics Tuebingen
Classification: Likely benign. Last evaluated: 2022-03-01. Review status: criteria provided, single submitter. Criteria: CeGaT Center For Human Genetics Tuebingen Variant Classification Criteria Version 2. Collection method: clinical testing. Allele origin: germline. Affected: yes. Observed: 1 variant allele.
Comment: MAPK8IP3: BP4

NM_001318852.2(MAPK8IP3):c.1419G>A (p.Leu473=)

Gene: MAPK8IP3 (mitogen-activated protein kinase 8 interacting protein 3; plus strand). Cytogenetic location: 16p13.3.
Variant type: single nucleotide variant.
Coding change: c.1419G>A on transcript NM_001318852.2 (MANE Select); coding-DNA position 1419, G replaced by A.
Protein change: p.Leu473=; no amino-acid change (leucine 473 retained).
Molecular consequence: synonymous variant.
Genome position (GRCh38, 1-based): chr16:1,760,494, G>A. VCF-style: chr16-1760494-G-A. GRCh37 (hg19) VCF-style: chr16-1810495-G-A.
Other names: c.1398G>A, p.Leu466= (NM_001040439.2); c.1416G>A, p.Leu472= (NM_015133.5, NM_033392.3).
Identifiers: ClinVar variation 2645916 (VCV002645916.25), dbSNP rs1396340814, ClinGen allele CA492938143.
Genomic context (GRCh38, chr16:1,760,494, plus strand): 5'-CGGGGAGCAGGAGGTGCTGAGGGGCGAGTTGGAGGCTGCTAAGCAGGCCAAAGTCAAGCT[G>A]GAAAACCGTATCAAGGAGCTGGAAGAGGAACTGAAAAGGTGAGGGCAGGGCATGGAAAGC-3'
Protein context (NP_001305781.1, residues 463-483): LEAAKQAKVK[Leu473=]ENRIKELEEE